The following is an entry in ClinVar:

NC_000023.10:g.(?_32563276)_(32563451_?)dup

Gene: DMD (dystrophin; minus strand). Cytogenetic location: Xp21.1.
Variant type: Duplication.
Identifiers: ClinVar variation 417496 (VCV000417496.1).

ClinVar aggregate classification (germline): Likely pathogenic (1 of 4 stars; one submission).

Conditions:
Duchenne muscular dystrophy (DMD). Also called: MUSCULAR DYSTROPHY, PSEUDOHYPERTROPHIC PROGRESSIVE, DUCHENNE TYPE; Duchenne Muscular Dystrophy (DMD). Identifiers: Orphanet 98896, MedGen C0013264, MONDO:0010679, OMIM 310200.

Submission:

Labcorp Genetics (formerly Invitae), Labcorp
Classification: Likely pathogenic for Duchenne muscular dystrophy. Last evaluated: 2016-08-24. Review status: criteria provided, single submitter. Criteria: Invitae Variant Classification Sherloc (09022015). Collection method: clinical testing. Allele origin: germline.
Comment: This variant is a gross duplication of the genomic region encompassing exon 17 of the DMD gene. While the exact position of the duplicated exon cannot be determined from this data, the duplicated copy of this region is likely in tandem and may result in an absent or disrupted protein product. Duplications in the DMD gene are known to cause Duchenne muscular dystrophy or Becker muscular dystrophy (PMID: 12111668). Duplication of exon 17 has been reported in the literature in an affected patient (PMID: 16917894). For these reasons, this variant has been classified as Likely Pathogenic.